The following is an entry in ClinVar:

ClinVar aggregate classification (germline): Uncertain significance. Review status: criteria provided, multiple submitters, no conflicts (2 of 4 stars). 2 submissions from 2 submitters: Uncertain significance (2). Last evaluated 2025-10-28.

Conditions:
Inborn genetic diseases. Identifiers: MedGen C0950123, MeSH D030342.
Methylmalonic acidemia with homocystinuria, type cblJ (MAHCJ). Also called: METHYLMALONIC ACIDURIA AND HOMOCYSTINURIA, cblJ TYPE. Identifiers: Orphanet 369955, MedGen C3553915, MONDO:0013925, OMIM 614857.

Allele frequency attached by ClinVar (database versions not stated): gnomAD exomes below 0.00001.
gnomAD v4.1: 5 of 1,613,666 alleles (0.00031%); highest among the groups gnomAD compares: East Asian, 0.0022%; no homozygotes.

Submissions (2):

Ambry Genetics
Classification: Uncertain significance for Inborn genetic diseases. Last evaluated: 2025-10-28. Review status: criteria provided, single submitter. Criteria: Ambry Variant Classification Scheme 2023. Collection method: clinical testing. Allele origin: germline.

Labcorp Genetics (formerly Invitae), Labcorp
Classification: Uncertain significance for Methylmalonic acidemia with homocystinuria, type cblJ. Last evaluated: 2022-07-08. Review status: criteria provided, single submitter. Criteria: Invitae Variant Classification Sherloc (09022015). Collection method: clinical testing. Allele origin: germline.
Comment: In summary, the available evidence is currently insufficient to determine the role of this variant in disease. Therefore, it has been classified as a Variant of Uncertain Significance. Advanced modeling of protein sequence and biophysical properties (such as structural, functional, and spatial information, amino acid conservation, physicochemical variation, residue mobility, and thermodynamic stability) performed at Invitae indicates that this missense variant is not expected to disrupt ABCD4 protein function. This variant has not been reported in the literature in individuals affected with ABCD4-related conditions. This variant is present in population databases (no rsID available, gnomAD 0.004%). This sequence change replaces valine, which is neutral and non-polar, with methionine, which is neutral and non-polar, at codon 134 of the ABCD4 protein (p.Val134Met).

NM_005050.4(ABCD4):c.400G>A (p.Val134Met)

Gene: ABCD4 (ATP binding cassette subfamily D member 4; minus strand). Cytogenetic location: 14q24.3.
Variant type: single nucleotide variant.
Coding change: c.400G>A on transcript NM_005050.4 (MANE Select); coding-DNA position 400, G replaced by A.
Protein change: p.Val134Met; replaces valine 134 with methionine.
Molecular consequence: missense variant. On other transcripts: 5 prime UTR variant (12), non-coding transcript variant (8), intron variant (5).
Genome position (GRCh38, 1-based): chr14:74,297,955, C>T on the plus strand (G>A on the coding strand, the complement: ABCD4 is on the minus strand). VCF-style: chr14-74297955-C-T. GRCh37 (hg19) VCF-style: chr14-74764658-C-T.
Other names: c.400G>A, p.Val134Met (NM_001353591.2, NM_001353592.2, NM_020325.3); c.139G>A, p.Val47Met (NM_001353593.2, NM_001353594.2); c.-10G>A (NM_001353595.2, NM_001353596.2, NM_001353597.2); c.-78G>A (NM_001353598.2, NM_001353600.2); c.-290G>A (NM_001353602.2); c.-295G>A (NM_001353603.2, NM_001353605.2, NM_001353606.2 and 3 more transcripts); c.271G>A, p.Val91Met (NM_020323.1); c.-269-1506G>A (NM_001353604.2); and 3 more; short protein forms V134M, V47M, V91M.
Identifiers: ClinVar variation 2415590 (VCV002415590.6), dbSNP rs1435630055, ClinGen allele CA390378579.
Genomic context (GRCh38, chr14:74,297,955, plus strand): 5'-ACAGAGTGTAGAAAGGACTGAGTTGGGGCGCCTACGGGTTATCGATGTCATCCCGCAGCA[C>T]GTTGAGGGTGTAGTACGCACGGCCCCGGAAGTAGAGGCGGTGAAGGTGCTCAGTGAGGTC-3'
Protein context (NP_005041.1, residues 124-144): FRGRAYYTLN[Val134Met]LRDDIDNPDQ